The following is an entry in ClinVar:

ClinVar aggregate classification (germline): Uncertain significance (1 of 4 stars; one submission).

Conditions:
Inborn genetic diseases. Identifiers: MedGen C0950123, MeSH D030342.

Submission:

Ambry Genetics
Classification: Uncertain significance for Inborn genetic diseases. Last evaluated: 2021-08-11. Review status: criteria provided, single submitter. Criteria: Ambry Variant Classification Scheme 2023. Collection method: clinical testing. Allele origin: germline.
Comment: The p.S976Y variant (also known as c.2927C>A), located in coding exon 14 of the ATR gene, results from a C to A substitution at nucleotide position 2927. The serine at codon 976 is replaced by tyrosine, an amino acid with dissimilar properties. This amino acid position is conserved. In addition, the in silico prediction for this alteration is inconclusive. Since supporting evidence is limited at this time, the clinical significance of this alteration remains unclear.

NM_001184.4(ATR):c.2927C>A (p.Ser976Tyr)

Gene: ATR (ATR checkpoint kinase; minus strand). Cytogenetic location: 3q23.
Variant type: single nucleotide variant.
Coding change: c.2927C>A on transcript NM_001184.4 (MANE Select); coding-DNA position 2927, C replaced by A.
Protein change: p.Ser976Tyr; replaces serine 976 with tyrosine.
Molecular consequence: missense variant.
Genome position (GRCh38, 1-based): chr3:142,550,181, G>T on the plus strand (C>A on the coding strand, the complement: ATR is on the minus strand). VCF-style: chr3-142550181-G-T. GRCh37 (hg19) VCF-style: chr3-142269023-G-T.
Other names: c.2735C>A, p.Ser912Tyr (NM_001354579.2); short protein forms S912Y, S976Y.
Identifiers: ClinVar variation 1797756 (VCV001797756.2), dbSNP rs2108456155, ClinGen allele CA354812725.